The following is an entry in ClinVar:

NM_194248.3(OTOF):c.3679C>A (p.Arg1227=)

Gene: OTOF (otoferlin; minus strand). Cytogenetic location: 2p23.3.
Variant type: single nucleotide variant.
Coding change: c.3679C>A on transcript NM_194248.3 (MANE Select); coding-DNA position 3679, C replaced by A.
Protein change: p.Arg1227=; no amino-acid change (arginine 1227 retained).
Molecular consequence: synonymous variant.
Genome position (GRCh38, 1-based): chr2:26,473,186, G>T on the plus strand (C>A on the coding strand, the complement: OTOF is on the minus strand). VCF-style: chr2-26473186-G-T. GRCh37 (hg19) VCF-style: chr2-26696054-G-T.
Other names: c.3679C>A, p.Arg1227= (NM_001287489.2); c.1438C>A, p.Arg480= (NM_004802.4, NM_194323.3); c.1609C>A, p.Arg537= (NM_194322.3).
Identifiers: ClinVar variation 48221 (VCV000048221.18), dbSNP rs111033478, ClinGen allele CA142861.
Genomic context (GRCh38, chr2:26,473,186, plus strand): 5'-CCATACCCGTGGTGTTCCAGCTGGGGGCCGAGCGGTCTGGGGGCCGGTAGATGAAGCGTC[G>T]CAGGGAGCTGACGGCATGGGAGCCCACCAGTGTGTAGCGACCGAAGGCCCGGCAGTCCAC-3'
Protein context (NP_919224.1, residues 1217-1237): LVGSHAVSSL[Arg1227=]RFIYRPPDRS

ClinVar aggregate classification (germline): Likely benign. Review status: criteria provided, multiple submitters, no conflicts (2 of 4 stars). 6 submissions from 6 submitters: Likely benign (6). Last evaluated 2026-02-02.

Allele frequency attached by ClinVar (database versions not stated): gnomAD 0.00027; TOPMed 0.00029.
gnomAD v4.1: 347 of 1,613,038 alleles (0.022%); highest among the groups gnomAD compares: Middle Eastern, 0.36%; no homozygotes.

Submissions (6):

Labcorp Genetics (formerly Invitae), Labcorp
Classification: Likely benign. Last evaluated: 2026-02-02. Review status: criteria provided, single submitter. Criteria: Invitae Variant Classification Sherloc (09022015). Collection method: clinical testing. Allele origin: germline.

Blueprint Genetics
Classification: Likely benign. Last evaluated: 2024-11-19. Review status: criteria provided, single submitter. Criteria: ACMG Guidelines, 2015. Collection method: clinical testing. Allele origin: germline.

GeneDx
Classification: Likely benign. Last evaluated: 2021-06-28. Review status: criteria provided, single submitter. Criteria: GeneDx Variant Classification Process June 2021. Collection method: clinical testing. Allele origin: germline. Affected: yes.

Laboratory for Molecular Medicine, Mass General Brigham Personalized Medicine
Classification: Likely benign. Last evaluated: 2009-11-17. Review status: criteria provided, single submitter. Criteria: LMM Criteria. Collection method: clinical testing. Allele origin: germline. Observed: 4 variant alleles.
Comment: p.Arg1227Arg in exon 29 of OTOF: This variant is not expected to have clinical s ignificance because it does not alter an amino acid residue, is not located with in the splice consensus sequence, has been identified in 37/126068 of European c hromosomes by the Genome Aggregation Database (gnomAD; dbSNP rs111033478).

Breakthrough Genomics
Classification: Likely benign. Review status: criteria provided, single submitter. Criteria: ACMG Guidelines, 2015. Collection method: not provided. Allele origin: germline. Inheritance: Autosomal recessive inheritance. Affected: yes.

PreventionGenetics, part of Exact Sciences
Classification: Likely benign. Review status: criteria provided, single submitter. Criteria: ACMG Guidelines, 2015. Collection method: clinical testing. Allele origin: germline.